The following is an entry in ClinVar:

NM_003924.4(PHOX2B):c.518G>A (p.Gly173Asp)

Gene: PHOX2B (paired like homeobox 2B; minus strand). Cytogenetic location: 4p13.
Variant type: single nucleotide variant.
Coding change: c.518G>A on transcript NM_003924.4 (MANE Select); coding-DNA position 518, G replaced by A.
Protein change: p.Gly173Asp; replaces glycine 173 with aspartic acid.
Molecular consequence: missense variant.
Genome position (GRCh38, 1-based): chr4:41,746,234, C>T on the plus strand (G>A on the coding strand, the complement: PHOX2B is on the minus strand). VCF-style: chr4-41746234-C-T. GRCh37 (hg19) VCF-style: chr4-41748251-C-T.
Other names: short protein forms G173D.
Identifiers: ClinVar variation 1043822 (VCV001043822.8), dbSNP rs866814213, ClinGen allele CA95828608.

ClinVar aggregate classification (germline): Uncertain significance (1 of 4 stars; one submission).

Conditions:
Haddad syndrome (OHD). Also called: Ondine-Hirschsprung disease. Identifiers: Orphanet 99803, MedGen C1859049, MONDO:0020493.

Allele frequency attached by ClinVar (database versions not stated): gnomAD exomes below 0.00001; TOPMed 0.00001.
gnomAD v4.1: 1 of 1,613,768 alleles (0.000062%); highest among the groups gnomAD compares: Non-Finnish European, 0.000085%; no homozygotes.

Submission:

Labcorp Genetics (formerly Invitae), Labcorp
Classification: Uncertain significance for Haddad syndrome. Last evaluated: 2020-04-21. Review status: criteria provided, single submitter. Criteria: Invitae Variant Classification Sherloc (09022015). Collection method: clinical testing. Allele origin: germline.
Comment: This variant is not present in population databases (ExAC no frequency). This sequence change replaces glycine with aspartic acid at codon 173 of the PHOX2B protein (p.Gly173Asp). The glycine residue is highly conserved and there is a moderate physicochemical difference between glycine and aspartic acid. This variant has not been reported in the literature in individuals with PHOX2B-related conditions. In summary, the available evidence is currently insufficient to determine the role of this variant in disease. Therefore, it has been classified as a Variant of Uncertain Significance.